The following is an entry in ClinVar:

ClinVar aggregate classification (germline): Uncertain significance (1 of 4 stars; one submission).

Submission:

Labcorp Genetics (formerly Invitae), Labcorp
Classification: Uncertain significance. Last evaluated: 2021-12-13. Review status: criteria provided, single submitter. Criteria: Invitae Variant Classification Sherloc (09022015). Collection method: clinical testing. Allele origin: germline.
Comment: In summary, the available evidence is currently insufficient to determine the role of this variant in disease. Therefore, it has been classified as a Variant of Uncertain Significance. Variants that disrupt the consensus splice site are a relatively common cause of aberrant splicing (PMID: 17576681, 9536098). Algorithms developed to predict the effect of sequence changes on RNA splicing suggest that this variant may disrupt the consensus splice site. This variant has not been reported in the literature in individuals affected with COL9A3-related conditions. This variant is not present in population databases (gnomAD no frequency). This sequence change affects codon 387 of the COL9A3 mRNA. It is a 'silent' change, meaning that it does not change the encoded amino acid sequence of the COL9A3 protein. This variant also falls at the last nucleotide of exon 22, which is part of the consensus splice site for this exon.

Literature cited by the submitters: PubMed 17576681; PubMed 9536098.

NM_001853.4(COL9A3):c.1161G>C (p.Ala387=)

Gene: COL9A3 (collagen type IX alpha 3 chain; plus strand). Cytogenetic location: 20q13.33.
Variant type: single nucleotide variant.
Coding change: c.1161G>C on transcript NM_001853.4 (MANE Select); coding-DNA position 1161, G replaced by C.
Protein change: p.Ala387=; no amino-acid change (alanine 387 retained).
Molecular consequence: synonymous variant.
Genome position (GRCh38, 1-based): chr20:62,829,819, G>C. VCF-style: chr20-62829819-G-C. GRCh37 (hg19) VCF-style: chr20-61461171-G-C.
Identifiers: ClinVar variation 2041716 (VCV002041716.4), dbSNP rs770709536, ClinGen allele CA511166723.